The following is an entry in ClinVar:

NM_001010982.5(AFMID):c.861C>T (p.Thr287=)

Gene: AFMID (arylformamidase; plus strand). Cytogenetic location: 17q25.3.
Variant type: single nucleotide variant.
Coding change: c.861C>T on transcript NM_001010982.5 (MANE Select); coding-DNA position 861, C replaced by T.
Protein change: p.Thr287=; no amino-acid change (threonine 287 retained).
Molecular consequence: synonymous variant. On other transcripts: 3 prime UTR variant (4), intron variant (1).
Genome position (GRCh38, 1-based): chr17:78,206,026, C>T. VCF-style: chr17-78206026-C-T. GRCh37 (hg19) VCF-style: chr17-76202107-C-T.
Other names: c.876C>T, p.Thr292= (NM_001145526.3); c.*2C>T (NM_001391999.1, NM_001392001.1, NM_001392006.1 and 1 more transcripts); c.525C>T, p.Thr175= (NM_001392000.1); c.462C>T, p.Thr154= (NM_001392002.1); c.396C>T, p.Thr132= (NM_001392003.1); c.357C>T, p.Thr119= (NM_001392004.1); c.382-885C>T (NM_001392005.1).
Identifiers: ClinVar variation 2648337 (VCV002648337.24), dbSNP rs1026812271, ClinGen allele CA294354254.
Genomic context (GRCh38, chr17:78,206,026, plus strand): 5'-GAAAGCCTCATTTGAAGAGCTCCACGATGTGGACCACTTTGAAATTGTTGAGAATCTGAC[C>T]CAGAAGGACAACGTGCTCACCCAGGTGGGGCCTCATCCCTGGCAGCCCTTTCATGGTAGA-3'
Protein context (NP_001010982.2, residues 277-297): VDHFEIVENL[Thr287=]QKDNVLTQII

ClinVar aggregate classification (germline): Likely benign (1 of 4 stars; one submission).

Allele frequency attached by ClinVar (database versions not stated): gnomAD exomes 0.00002; gnomAD 0.00003; TOPMed 0.00003.
gnomAD v4.1: 29 of 1,613,968 alleles (0.0018%); highest among the groups gnomAD compares: Middle Eastern, 0.016%; 1 homozygote.

Submission:

CeGaT Center for Human Genetics Tuebingen
Classification: Likely benign. Last evaluated: 2023-04-01. Review status: criteria provided, single submitter. Criteria: CeGaT Center For Human Genetics Tuebingen Variant Classification Criteria Version 2. Collection method: clinical testing. Allele origin: germline. Affected: yes. Observed: 1 variant allele.
Comment: AFMID: BP4, BP7